The following is an entry in ClinVar:

ClinVar aggregate classification (germline): Uncertain significance (0 of 4 stars; one submission).

Conditions:
CREBBP-related disorder. Also called: CREBBP-related condition; CREBBP-related disorders.

Submission:

PreventionGenetics, part of Exact Sciences
Classification: Uncertain significance for CREBBP-related condition. Last evaluated: 2023-12-26. Review status: no assertion criteria provided. Collection method: clinical testing. Allele origin: germline.
Comment: The CREBBP c.4052A>G variant is predicted to result in the amino acid substitution p.His1351Arg. To our knowledge, this variant has not been reported in the literature or in a large population database, indicating this variant is rare. At this time, the clinical significance of this variant is uncertain due to the absence of conclusive functional and genetic evidence.

NM_004380.3(CREBBP):c.4052A>G (p.His1351Arg)

Gene: CREBBP (CREB binding lysine acetyltransferase; minus strand). Cytogenetic location: 16p13.3.
Variant type: single nucleotide variant.
Coding change: c.4052A>G on transcript NM_004380.3 (MANE Select); coding-DNA position 4052, A replaced by G.
Protein change: p.His1351Arg; replaces histidine 1351 with arginine.
Molecular consequence: missense variant.
Genome position (GRCh38, 1-based): chr16:3,740,480, T>C on the plus strand (A>G on the coding strand, the complement: CREBBP is on the minus strand). VCF-style: chr16-3740480-T-C. GRCh37 (hg19) VCF-style: chr16-3790481-T-C.
Other names: c.3938A>G, p.His1313Arg (NM_001079846.1); short protein forms H1313R, H1351R.
Identifiers: ClinVar variation 3032391 (VCV003032391.2), dbSNP rs1596813643, ClinGen allele CA394565370.
Genomic context (GRCh38, chr16:3,740,480, plus strand): 5'-ACCTCCACCGTCTTGTCTGAGCTGGCCACCACTCGGACAAAAACCTCCCCGGCTTCAGGG[T>C]GATTCTGGCGCCGCAAAAATTTGTTCACTCGGTCTTCCAAGTGGTTTCCCAGTCTTGTGG-3'
Protein context (NP_004371.2, residues 1341-1361): RVNKFLRRQN[His1351Arg]PEAGEVFVRV